The following is an entry in ClinVar:

NM_017752.3(TBC1D8B):c.2928A>T (p.Lys976Asn)

Gene: TBC1D8B (TBC1 domain family member 8B; plus strand). Cytogenetic location: Xq22.3.
Variant type: single nucleotide variant.
Coding change: c.2928A>T on transcript NM_017752.3 (MANE Select); coding-DNA position 2928, A replaced by T.
Protein change: p.Lys976Asn; replaces lysine 976 with asparagine.
Molecular consequence: missense variant.
Genome position (GRCh38, 1-based): chrX:106,870,774, A>T. VCF-style: chrX-106870774-A-T. GRCh37 (hg19) VCF-style: chrX-106114004-A-T.
Other names: short protein forms K976N.
Identifiers: ClinVar variation 2088392 (VCV002088392.4), dbSNP rs757870224, ClinGen allele CA10483467.

ClinVar aggregate classification (germline): Uncertain significance (1 of 4 stars; one submission).

Allele frequency attached by ClinVar (database versions not stated): ExAC 0.00001; gnomAD 0.00001; gnomAD exomes 0.00001.
gnomAD v4.1: 16 of 1,200,985 alleles (0.0013%); highest among the groups gnomAD compares: Admixed American, 0.0022%; no homozygotes.

Submission:

Labcorp Genetics (formerly Invitae), Labcorp
Classification: Uncertain significance. Last evaluated: 2024-12-09. Review status: criteria provided, single submitter. Criteria: Invitae Variant Classification Sherloc (09022015). Collection method: clinical testing. Allele origin: germline.
Comment: This sequence change replaces lysine, which is basic and polar, with asparagine, which is neutral and polar, at codon 976 of the TBC1D8B protein (p.Lys976Asn). This variant is present in population databases (rs757870224, gnomAD 0.004%). This missense change has been observed in individual(s) with steroid-resistant nephrotic syndrome (internal data). ClinVar contains an entry for this variant (Variation ID: 2088392). An algorithm developed to predict the effect of missense changes on protein structure and function (PolyPhen-2) suggests that this variant is likely to be tolerated. In summary, the available evidence is currently insufficient to determine the role of this variant in disease. Therefore, it has been classified as a Variant of Uncertain Significance.